The following is an entry in ClinVar:

NM_001042492.3(NF1):c.6082G>C (p.Ala2028Pro)

Gene: NF1 (neurofibromin 1; plus strand). Cytogenetic location: 17q11.2.
Variant type: single nucleotide variant.
Coding change: c.6082G>C on transcript NM_001042492.3 (MANE Select); coding-DNA position 6082, G replaced by C.
Protein change: p.Ala2028Pro; replaces alanine 2028 with proline.
Molecular consequence: missense variant.
Genome position (GRCh38, 1-based): chr17:31,336,408, G>C. VCF-style: chr17-31336408-G-C. GRCh37 (hg19) VCF-style: chr17-29663426-G-C.
Other names: c.6019G>C, p.Ala2007Pro (NM_000267.4); short protein forms A2007P, A2028P.
Identifiers: ClinVar variation 229949 (VCV000229949.12), dbSNP rs767869530, ClinGen allele CA10580368.
Genomic context (GRCh38, chr17:31,336,408, plus strand): 5'-GATGTTGTACTAGACAGTTTCATCAAAACCAGTGCAACAGGTGGCTTGGGATCAATAAAA[G>C]CTGAGGTGATGGCAGATACTGCTGTAGCTTTGGCTTCTGGAAATGTGAAATTGGTTTCAA-3'
Protein context (NP_001035957.1, residues 2018-2038): SATGGLGSIK[Ala2028Pro]EVMADTAVAL

ClinVar aggregate classification (germline): Uncertain significance. Review status: criteria provided, multiple submitters, no conflicts (2 of 4 stars). 3 submissions from 3 submitters: Uncertain significance (3). Last evaluated 2022-03-15.

Conditions:
Hereditary cancer-predisposing syndrome. Also called: Hereditary Cancer Syndrome; Neoplastic Syndromes, Hereditary; Tumor predisposition; Hereditary neoplastic syndrome. Identifiers: Orphanet 140162, MedGen C0027672, MeSH D009386, MONDO:0015356.
Neurofibromatosis, type 1 (NF1). Also called: Neurofibromatosis, type I; VON RECKLINGHAUSEN DISEASE; NEUROFIBROMATOSIS, TYPE I, SOMATIC; Peripheral type neurofibromatosis. Identifiers: Orphanet 636, MedGen C0027831, MONDO:0018975, OMIM 162200. Disease mechanism: loss of function.

Submissions (3):

Genome-Nilou Lab
Classification: Uncertain significance for Neurofibromatosis, type 1. Last evaluated: 2022-03-15. Review status: criteria provided, single submitter. Criteria: ACMG Guidelines, 2015. Collection method: clinical testing. Allele origin: germline. Affected: no.

Labcorp Genetics (formerly Invitae), Labcorp
Classification: Uncertain significance for Neurofibromatosis, type 1. Last evaluated: 2021-11-27. Review status: criteria provided, single submitter. Criteria: Invitae Variant Classification Sherloc (09022015). Collection method: clinical testing. Allele origin: germline.
Comment: This variant is not present in population databases (gnomAD no frequency). In summary, the available evidence is currently insufficient to determine the role of this variant in disease. Therefore, it has been classified as a Variant of Uncertain Significance. Advanced modeling of protein sequence and biophysical properties (such as structural, functional, and spatial information, amino acid conservation, physicochemical variation, residue mobility, and thermodynamic stability) performed at Invitae indicates that this missense variant is expected to disrupt NF1 protein function. ClinVar contains an entry for this variant (Variation ID: 229949). This variant has not been reported in the literature in individuals affected with NF1-related conditions. This sequence change replaces alanine, which is neutral and non-polar, with proline, which is neutral and non-polar, at codon 2007 of the NF1 protein (p.Ala2007Pro).

Ambry Genetics
Classification: Uncertain significance for Hereditary cancer-predisposing syndrome. Last evaluated: 2015-01-07. Review status: criteria provided, single submitter. Criteria: Ambry Autosomal Dominant and X-Linked criteria (10/2015). Collection method: clinical testing. Allele origin: germline. Observed: 1 variant allele.
Comment: The p.A2028P variant (also known as c.6082G>C), located in coding exon 41 of the NF1 gene, results from a G to C substitution at nucleotide position 6082. The alanine at codon 2028 is replaced by proline, an amino acid with highly similar properties. This variant was not reported in population based cohorts in the following databases: Database of Single Nucleotide Polymorphisms (dbSNP), NHLBI Exome Sequencing Project (ESP), and 1000 Genomes Project. In the ESP, this variant was not observed in 6503 samples (13006 alleles) with coverage at this position. To date, this alteration has been detected with an allele frequency of approximately 0.003% (greater than 30000 alleles tested) in our clinical cohort. This amino acid position is highly conserved in available vertebrate species. In addition, this alteration is predicted to be deleterious by in silico analysis. Since supporting evidence is limited at this time, the clinical significance of p.A2028P remains unclear.